The following is an entry in ClinVar:

NM_002432.3(MNDA):c.1048G>A (p.Val350Ile)

Gene: MNDA (myeloid cell nuclear differentiation antigen; plus strand). Cytogenetic location: 1q23.1.
Variant type: single nucleotide variant.
Coding change: c.1048G>A on transcript NM_002432.3 (MANE Select); coding-DNA position 1048, G replaced by A.
Protein change: p.Val350Ile; replaces valine 350 with isoleucine.
Molecular consequence: missense variant.
Genome position (GRCh38, 1-based): chr1:158,847,788, G>A. VCF-style: chr1-158847788-G-A. GRCh37 (hg19) VCF-style: chr1-158817578-G-A.
Other names: short protein forms V350I.
Identifiers: ClinVar variation 1776130 (VCV001776130.2), dbSNP rs1659166971, ClinGen allele CA343044023.

ClinVar aggregate classification (germline): Uncertain significance (1 of 4 stars; one submission).

Allele frequency attached by ClinVar (database versions not stated): gnomAD 0.00001; TOPMed 0.00001.
gnomAD v4.1: 1 of 1,613,940 alleles (0.000062%); highest among the groups gnomAD compares: African/African-American, 0.0013%; no homozygotes.

Submission:

Ambry Genetics
Classification: Uncertain significance. Last evaluated: 2021-10-26. Review status: criteria provided, single submitter. Criteria: Ambry Variant Classification Scheme 2023. Collection method: clinical testing. Allele origin: germline.
Comment: The p.V350I variant (also known as c.1048G>A), located in coding exon 5 of the MNDA gene, results from a G to A substitution at nucleotide position 1048. The valine at codon 350 is replaced by isoleucine, an amino acid with highly similar properties. This amino acid position is conserved. In addition, this alteration is predicted to be tolerated by in silico analysis. Since supporting evidence is limited at this time, the clinical significance of this alteration remains unclear.